The following is an entry in ClinVar:

NM_014363.6(SACS):c.7648del (p.Leu2550fs)

Gene: SACS (sacsin molecular chaperone; minus strand). Cytogenetic location: 13q12.12.
Variant type: Deletion.
Coding change: c.7648del on transcript NM_014363.6 (MANE Select); coding-DNA position 7648, one base deleted (C; older notation c.7648delC).
Protein change: p.Leu2550fs; shifts the reading frame from leucine 2550.
Molecular consequence: frameshift variant.
Genome position (GRCh38, 1-based): chr13:23,336,228, G deleted on the plus strand (C on the coding strand, the reverse complement: SACS is on the minus strand). VCF-style (leftmost placement, unchanged base first): chr13-23336227-AG-A. GRCh37 (hg19) VCF-style: chr13-23910366-AG-A.
Other names: c.7207del, p.Leu2403fs (NM_001278055.2); short protein forms L2550fs, L2403fs.
Identifiers: ClinVar variation 2814351 (VCV002814351.3), dbSNP rs2542230978, ClinGen allele CA2739277466.
Genomic context (GRCh38, chr13:23,336,227, plus strand): 5'-TGCTGTCTAGGATCAAACACAAAACAGATTTCTGTCGCCTTTGCATCATCAGCATTTTGA[AG>A]AAGCTCTTTCAACATTTCCTTTTCAGAAGGATATGCATTAAGGATGCTCTTAATTCTGCT-3'

ClinVar aggregate classification (germline): Pathogenic (1 of 4 stars; one submission).

Conditions:
Spastic paraplegia. Identifiers: MedGen C0037772, HP:0001258.

Submission:

Labcorp Genetics (formerly Invitae), Labcorp
Classification: Pathogenic for Spastic paraplegia. Last evaluated: 2022-11-15. Review status: criteria provided, single submitter. Criteria: Invitae Variant Classification Sherloc (09022015). Collection method: clinical testing. Allele origin: germline.
Comment: For these reasons, this variant has been classified as Pathogenic. This variant disrupts a region of the SACS protein in which other variant(s) (p.Asn4549Asp) have been determined to be pathogenic (PMID: 15156359, 21507954). This suggests that this is a clinically significant region of the protein, and that variants that disrupt it are likely to be disease-causing. This variant has not been reported in the literature in individuals affected with SACS-related conditions. This variant is not present in population databases (gnomAD no frequency). This sequence change creates a premature translational stop signal (p.Leu2550Phefs*75) in the SACS gene. While this is not anticipated to result in nonsense mediated decay, it is expected to disrupt the last 2030 amino acid(s) of the SACS protein.

Literature cited by the submitters: PubMed 15156359; PubMed 21507954.